The following is an entry in ClinVar:

NM_001376.5(DYNC1H1):c.7904T>G (p.Phe2635Cys)

Gene: DYNC1H1 (dynein cytoplasmic 1 heavy chain 1; plus strand). Cytogenetic location: 14q32.31.
Variant type: single nucleotide variant.
Coding change: c.7904T>G on transcript NM_001376.5 (MANE Select); coding-DNA position 7904, T replaced by G.
Protein change: p.Phe2635Cys; replaces phenylalanine 2635 with cysteine.
Molecular consequence: missense variant.
Genome position (GRCh38, 1-based): chr14:102,017,143, T>G. VCF-style: chr14-102017143-T-G. GRCh37 (hg19) VCF-style: chr14-102483480-T-G.
Other names: short protein forms F2635C.
Identifiers: ClinVar variation 3901321 (VCV003901321.1).
Genomic context (GRCh38, chr14:102,017,143, plus strand): 5'-CAAAGGTGGTGGGTCTCAACTTCTCCAGTGCTACTACTCCAGAGCTGCTTCTGAAGACTT[T>G]TGATCACTACTGCGAGTACAGGCGCACACCTAATGGGGTGGTTTTGGCTCCTGTTCAACT-3'
Protein context (NP_001367.2, residues 2625-2645): ATTPELLLKT[Phe2635Cys]DHYCEYRRTP

ClinVar aggregate classification (germline): Uncertain significance (1 of 4 stars; one submission).

Submission:

GeneDx
Classification: Uncertain significance. Last evaluated: 2024-12-04. Review status: criteria provided, single submitter. Criteria: GeneDx Variant Classification Process June 2021. Collection method: clinical testing. Allele origin: germline. Affected: yes.
Comment: Not observed at significant frequency in large population cohorts (gnomAD); In silico analysis supports that this missense variant has a deleterious effect on protein structure/function; Has not been previously published as pathogenic or benign to our knowledge; This variant is associated with the following publications: (PMID: 25512093, 25609763, 26100331)